The following is an entry in ClinVar:

NM_152468.5(TMC8):c.883C>G (p.Arg295Gly)

Gene: TMC8 (transmembrane channel like 8; plus strand). Cytogenetic location: 17q25.3.
Variant type: single nucleotide variant.
Coding change: c.883C>G on transcript NM_152468.5 (MANE Select); coding-DNA position 883, C replaced by G.
Protein change: p.Arg295Gly; replaces arginine 295 with glycine.
Molecular consequence: missense variant.
Genome position (GRCh38, 1-based): chr17:78,134,460, C>G. VCF-style: chr17-78134460-C-G. GRCh37 (hg19) VCF-style: chr17-76130541-C-G.
Other names: short protein forms R295G.
Identifiers: ClinVar variation 3004370 (VCV003004370.3), dbSNP rs760798878, ClinGen allele CA8796650.

ClinVar aggregate classification (germline): Uncertain significance (1 of 4 stars; one submission).

Conditions:
Epidermodysplasia verruciformis. Identifiers: Orphanet 302, MedGen C0014522, MONDO:0009176.

gnomAD v4.1: 4 of 1,613,906 alleles (0.00025%); highest among the groups gnomAD compares: South Asian, 0.0033%; no homozygotes.

Submission:

Labcorp Genetics (formerly Invitae), Labcorp
Classification: Uncertain significance for Epidermodysplasia verruciformis. Last evaluated: 2025-06-20. Review status: criteria provided, single submitter. Criteria: Invitae Variant Classification Sherloc (09022015). Collection method: clinical testing. Allele origin: germline.
Comment: This sequence change replaces arginine, which is basic and polar, with glycine, which is neutral and non-polar, at codon 295 of the TMC8 protein (p.Arg295Gly). This variant is present in population databases (rs760798878, gnomAD 0.006%). This variant has not been reported in the literature in individuals affected with TMC8-related conditions. ClinVar contains an entry for this variant (Variation ID: 3004370). Invitae Evidence Modeling of protein sequence and biophysical properties (such as structural, functional, and spatial information, amino acid conservation, physicochemical variation, residue mobility, and thermodynamic stability) indicates that this missense variant is not expected to disrupt TMC8 protein function with a negative predictive value of 80%. In summary, the available evidence is currently insufficient to determine the role of this variant in disease. Therefore, it has been classified as a Variant of Uncertain Significance.